The following is an entry in ClinVar:

NM_005184.4(CALM3):c.259C>T (p.Arg87Ter)

Gene: CALM3 (calmodulin 3; plus strand). Cytogenetic location: 19q13.32.
Variant type: single nucleotide variant.
Coding change: c.259C>T on transcript NM_005184.4 (MANE Select); coding-DNA position 259, C replaced by T.
Protein change: p.Arg87Ter; replaces arginine 87 with a stop codon.
Molecular consequence: nonsense.
Genome position (GRCh38, 1-based): chr19:46,608,562, C>T. VCF-style: chr19-46608562-C-T. GRCh37 (hg19) VCF-style: chr19-47111819-C-T.
Other names: c.151C>T, p.Arg51Ter (NM_001329921.1, NM_001329923.1, NM_001329924.2 and 2 more transcripts); c.259C>T, p.Arg87Ter (NM_001329922.1); short protein forms R87*, R51*.
Identifiers: ClinVar variation 1998292 (VCV001998292.4), dbSNP rs1044180500, ClinGen allele CA406472733.

ClinVar aggregate classification (germline): Uncertain significance (1 of 4 stars; one submission).

Conditions:
Long QT syndrome 1 (LQT1). Identifiers: Orphanet 101016, Orphanet 768, MedGen C4551647, MONDO:0100316, OMIM 192500, MONDO:0008646.

Allele frequency attached by ClinVar (database versions not stated): gnomAD exomes below 0.00001.

Submission:

Labcorp Genetics (formerly Invitae), Labcorp
Classification: Uncertain significance for Long QT syndrome 1. Last evaluated: 2022-08-25. Review status: criteria provided, single submitter. Criteria: Invitae Variant Classification Sherloc (09022015). Collection method: clinical testing. Allele origin: germline.
Comment: This sequence change creates a premature translational stop signal (p.Arg87*) in the CALM3 gene. It is expected to result in an absent or disrupted protein product. However, the current clinical and genetic evidence is not sufficient to establish whether loss-of-function variants in CALM3 cause disease. This variant is not present in population databases (gnomAD no frequency). This variant has not been reported in the literature in individuals affected with CALM3-related conditions. In summary, the available evidence is currently insufficient to determine the role of this variant in disease. Therefore, it has been classified as a Variant of Uncertain Significance.